The following is an entry in ClinVar:

NM_005228.5(EGFR):c.2338A>C (p.Ile780Leu)

Genes: EGFR (epidermal growth factor receptor; plus strand), EGFR-AS1 (EGFR antisense RNA 1; minus strand). Cytogenetic location: 7p11.2.
Variant type: single nucleotide variant.
Coding change: c.2338A>C on transcript NM_005228.5 (MANE Select); coding-DNA position 2338, A replaced by C.
Protein change: p.Ile780Leu; replaces isoleucine 780 with leucine.
Molecular consequence: missense variant. On other transcripts: non-coding transcript variant (1).
Genome position (GRCh38, 1-based): chr7:55,181,347, A>C. VCF-style: chr7-55181347-A-C. GRCh37 (hg19) VCF-style: chr7-55249040-A-C.
Other names: c.2203A>C, p.Ile735Leu (NM_001346897.2, NM_001346899.2); c.2338A>C, p.Ile780Leu (NM_001346898.2); c.2179A>C, p.Ile727Leu (NM_001346900.2); c.1537A>C, p.Ile513Leu (NM_001346941.2); short protein forms I513L, I727L, I735L, I780L.
Identifiers: ClinVar variation 3730625 (VCV003730625.2).

ClinVar aggregate classification (germline): Uncertain significance (1 of 4 stars; one submission).

Conditions:
EGFR-related lung cancer (EGFR). Identifiers: MedGen CN130014.

Submission:

Labcorp Genetics (formerly Invitae), Labcorp
Classification: Uncertain significance for EGFR-related lung cancer. Last evaluated: 2024-12-15. Review status: criteria provided, single submitter. Criteria: Invitae Variant Classification Sherloc (09022015). Collection method: clinical testing. Allele origin: germline.
Comment: This sequence change replaces isoleucine, which is neutral and non-polar, with leucine, which is neutral and non-polar, at codon 780 of the EGFR protein (p.Ile780Leu). This variant is not present in population databases (gnomAD no frequency). This variant has not been reported in the literature in individuals affected with EGFR-related conditions. Invitae Evidence Modeling of protein sequence and biophysical properties (such as structural, functional, and spatial information, amino acid conservation, physicochemical variation, residue mobility, and thermodynamic stability) indicates that this missense variant is not expected to disrupt EGFR protein function with a negative predictive value of 80%. In summary, the available evidence is currently insufficient to determine the role of this variant in disease. Therefore, it has been classified as a Variant of Uncertain Significance.